The following is an entry in ClinVar:

NM_032043.3(BRIP1):c.1773T>G (p.Phe591Leu)

Gene: BRIP1 (BRCA1 interacting DNA helicase 1; minus strand). Cytogenetic location: 17q23.2.
Variant type: single nucleotide variant.
Coding change: c.1773T>G on transcript NM_032043.3 (MANE Select); coding-DNA position 1773, T replaced by G.
Protein change: p.Phe591Leu; replaces phenylalanine 591 with leucine.
Molecular consequence: missense variant.
Genome position (GRCh38, 1-based): chr17:61,780,861, A>C on the plus strand (T>G on the coding strand, the complement: BRIP1 is on the minus strand). VCF-style: chr17-61780861-A-C. GRCh37 (hg19) VCF-style: chr17-59858222-A-C.
Other names: short protein forms F591L.
Identifiers: ClinVar variation 3756176 (VCV003756176.2).

ClinVar aggregate classification (germline): Uncertain significance (1 of 4 stars; one submission).

Conditions:
Fanconi anemia complementation group J. Also called: BRIP1-Related Fanconi Anemia. Identifiers: Orphanet 84, MedGen C1836860, MONDO:0012187, OMIM 609054.
Familial cancer of breast. Also called: BREAST CANCER, FAMILIAL; Hereditary breast cancer; hereditary breast carcinoma. Identifiers: Orphanet 227535, MedGen C0346153, MONDO:0016419, OMIM 114480. Disease mechanism: loss of function.

Submission:

Labcorp Genetics (formerly Invitae), Labcorp
Classification: Uncertain significance for Familial cancer of breast; Fanconi anemia complementation group J. Last evaluated: 2024-05-04. Review status: criteria provided, single submitter. Criteria: Invitae Variant Classification Sherloc (09022015). Collection method: clinical testing. Allele origin: germline.
Comment: This sequence change replaces phenylalanine, which is neutral and non-polar, with leucine, which is neutral and non-polar, at codon 591 of the BRIP1 protein (p.Phe591Leu). This variant is not present in population databases (gnomAD no frequency). This variant has not been reported in the literature in individuals affected with BRIP1-related conditions. Advanced modeling of protein sequence and biophysical properties (such as structural, functional, and spatial information, amino acid conservation, physicochemical variation, residue mobility, and thermodynamic stability) performed at Invitae indicates that this missense variant is not expected to disrupt BRIP1 protein function with a negative predictive value of 80%. In summary, the available evidence is currently insufficient to determine the role of this variant in disease. Therefore, it has been classified as a Variant of Uncertain Significance.